The following is an entry in ClinVar:

NC_012920.1(MT-ND4):m.11013C>A

Gene: MT-ND4 (mitochondrially encoded NADH dehydrogenase 4; plus strand).
Variant type: single nucleotide variant.
Genome position: chrM-11013-C-A.
Identifiers: ClinVar variation 693333 (VCV000693333.1), dbSNP rs879244441, ClinGen allele CA414809276.

ClinVar aggregate classification (germline): Uncertain significance (1 of 4 stars; one submission).

Conditions:
Leigh syndrome (NULS). Also called: Leigh's necrotizing encephalopathy; Leigh's disease; Leigh Syndrome (mtDNA deletion); Leigh Disease; Subacute necrotizing encephalopathy; Necrotizing encephalopathy infantile subacute of Leigh. Identifiers: Orphanet 506, MedGen C2931891, MONDO:0009723, OMIM 256000.

Submission:

Wong Mito Lab, Molecular and Human Genetics, Baylor College of Medicine
Classification: Uncertain significance for Leigh syndrome. Last evaluated: 2019-10-17. Review status: criteria provided, single submitter. Criteria: Modified ACMG Guidelines (Unpublished). Collection method: clinical testing. Allele origin: germline.
Comment: The NC_012920.1:m.11013C>A (YP_003024035.1:p.Ser85Tyr) variant in MTND4 gene is interpretated to be a Uncertain Significance variant based on the modified ACMG guidelines (unpublished). This variant meets the following evidence codes: BP4